The following is an entry in ClinVar:

NM_000535.7(PMS2):c.706-6_706-4del

Gene: PMS2 (PMS1 homolog 2, mismatch repair system component; minus strand). Cytogenetic location: 7p22.1.
Variant type: Deletion.
Coding change: c.706-6_706-4del on transcript NM_000535.7 (MANE Select); 6 bases into the intron before coding-DNA position 706 through 4 bases into the intron before coding-DNA position 706, 3 bases deleted (TTT; older notation c.706-6_706-4delTTT).
Molecular consequence: intron variant.
Genome position (GRCh38, 1-based): chr7:5,997,427-5,997,429, AAA deleted on the plus strand (TTT on the coding strand, the reverse complement: PMS2 is on the minus strand); deleting any 3 consecutive bases within chr7:5,997,427-5,997,443 gives the same sequence; the c. name uses the placement nearest the transcript's 3' end. VCF-style (leftmost placement, unchanged base first): chr7-5997426-GAAA-G. GRCh37 (hg19) VCF-style: chr7-6037057-GAAA-G.
Other names: c.706-6_706-4delTTT (NM_000535.6, NM_000535.5, NM_001322014.2); c.388-6_388-4del (NM_001322008.2, NM_001322007.2); c.301-6_301-4del (NM_001322010.2, NM_001322004.2, NM_001322003.2 and 2 more transcripts); c.133-6_133-4del (NM_001322013.2); c.-228-6_-228-4del (NM_001322012.2, NM_001322011.2); c.397-6_397-4del (NM_001322015.2); c.706-6_706-4del (NM_001322006.2, NM_001322014.2, NM_000535.5).
Identifiers: ClinVar variation 286329 (VCV000286329.24), dbSNP rs60794673, ClinGen allele CA4150128.

ClinVar aggregate classification (germline): Benign/Likely benign. Review status: criteria provided, multiple submitters, no conflicts (2 of 4 stars). 9 submissions from 9 submitters: Benign (5); Likely benign (3). 1 of the submissions does not count toward it. Last evaluated 2025-03-04.

Conditions:
Malignant tumor of breast. Also called: Malignant breast neoplasm; Cancer breast. Identifiers: MedGen C0006142, MONDO:0007254. Disease mechanism: loss of function.
Hereditary nonpolyposis colorectal neoplasms. Identifiers: MedGen C0009405, MeSH D003123.
Breast and/or ovarian cancer. Identifiers: MedGen CN221562.
Hereditary cancer-predisposing syndrome. Also called: Tumor predisposition; Hereditary neoplastic syndrome; Neoplastic Syndromes, Hereditary; Hereditary Cancer Syndrome. Identifiers: Orphanet 140162, MedGen C0027672, MeSH D009386, MONDO:0015356.

Submissions (9):

Center for Genomic Medicine, Rigshospitalet, Copenhagen University Hospital
Classification: Likely benign. Last evaluated: 2025-03-04. Review status: criteria provided, single submitter. Criteria: ACMG Guidelines, 2015. Collection method: clinical testing. Allele origin: germline.

Blueprint Genetics
Classification: Likely benign. Last evaluated: 2024-11-08. Review status: criteria provided, single submitter. Criteria: ACMG Guidelines, 2015. Collection method: clinical testing. Allele origin: germline.

Institute for Biomarker Research, Medical Diagnostic Laboratories, L.L.C.
Classification: Benign for Hereditary cancer-predisposing syndrome. Last evaluated: 2024-01-04. Review status: criteria provided, single submitter. Criteria: ACMG Guidelines, 2015. Collection method: clinical testing. Allele origin: germline.

CHEO Genetics Diagnostic Laboratory, Children's Hospital of Eastern Ontario
Classification: Likely benign for Breast and/or ovarian cancer. Last evaluated: 2023-05-24. Review status: criteria provided, single submitter. Criteria: ACMG Guidelines, 2015. Collection method: clinical testing. Allele origin: germline.

Quest Diagnostics Nichols Institute San Juan Capistrano
Classification: Benign. Last evaluated: 2019-07-01. Review status: criteria provided, single submitter. Criteria: Quest Diagnostics criteria. Collection method: clinical testing. Allele origin: germline.

Color Diagnostics, LLC DBA Color Health
Classification: Benign for Hereditary cancer-predisposing syndrome. Last evaluated: 2017-07-06. Review status: criteria provided, single submitter. Criteria: ACMG Guidelines, 2015. Collection method: clinical testing. Allele origin: germline.

Labcorp Genetics (formerly Invitae), Labcorp
Classification: Benign for Hereditary nonpolyposis colorectal neoplasms. Last evaluated: 2017-06-07. Review status: criteria provided, single submitter. Criteria: Invitae Variant Classification Sherloc (09022015). Collection method: clinical testing. Allele origin: germline.

Eurofins Ntd Llc (ga)
Classification: Benign. Last evaluated: 2016-02-25. Review status: criteria provided, single submitter. Criteria: EGL Classification Definitions 2015. Collection method: clinical testing. Allele origin: germline. Observed: 1 variant allele, 1 heterozygote.

Department of Pathology and Laboratory Medicine, Sinai Health System
Classification: Benign for Malignant tumor of breast. Review status: no assertion criteria provided. Collection method: clinical testing. Allele origin: unknown. Affected: yes. Study: The Canadian Open Genetics Repository (COGR). Not counted in ClinVar's aggregate classification.
Comment: Gnom AD population frequency 44%